The following is an entry in ClinVar:

NM_001134407.3(GRIN2A):c.1300G>A (p.Val434Met)

Gene: GRIN2A (glutamate ionotropic receptor NMDA type subunit 2A; minus strand). Cytogenetic location: 16p13.2.
Variant type: single nucleotide variant.
Coding change: c.1300G>A on transcript NM_001134407.3 (MANE Select); coding-DNA position 1300, G replaced by A.
Protein change: p.Val434Met; replaces valine 434 with methionine.
Molecular consequence: missense variant.
Genome position (GRCh38, 1-based): chr16:9,849,784, C>T on the plus strand (G>A on the coding strand, the complement: GRIN2A is on the minus strand). VCF-style: chr16-9849784-C-T. GRCh37 (hg19) VCF-style: chr16-9943641-C-T.
Other names: c.1300G>A, p.Val434Met (NM_000833.5, NM_001134408.2); short protein forms V434M.
Identifiers: ClinVar variation 1371308 (VCV001371308.6), dbSNP rs2141369176, ClinGen allele CA394800973.

ClinVar aggregate classification (germline): Uncertain significance (1 of 4 stars; one submission).

Conditions:
Landau-Kleffner syndrome (FESD). Also called: APHASIA, ACQUIRED, WITH EPILEPSY; EPILEPSY, FOCAL, WITH SPEECH DISORDER AND WITH OR WITHOUT MENTAL RETARDATION. Identifiers: Orphanet 1945, Orphanet 725, Orphanet 98818, MedGen C0282512, MONDO:0009509, OMIM 245570.

Submission:

Labcorp Genetics (formerly Invitae), Labcorp
Classification: Uncertain significance for Landau-Kleffner syndrome. Last evaluated: 2021-09-09. Review status: criteria provided, single submitter. Criteria: Invitae Variant Classification Sherloc (09022015). Collection method: clinical testing. Allele origin: germline.
Comment: In summary, the available evidence is currently insufficient to determine the role of this variant in disease. Therefore, it has been classified as a Variant of Uncertain Significance. Advanced modeling of protein sequence and biophysical properties (such as structural, functional, and spatial information, amino acid conservation, physicochemical variation, residue mobility, and thermodynamic stability) performed at Invitae indicates that this missense variant is expected to disrupt GRIN2A protein function. This missense change has been observed in at least one individual who was not affected with GRIN2A-related conditions (Invitae). This variant has not been reported in the literature in individuals affected with GRIN2A-related conditions. This variant is not present in population databases (ExAC no frequency). This sequence change replaces valine with methionine at codon 434 of the GRIN2A protein (p.Val434Met). The valine residue is highly conserved and there is a small physicochemical difference between valine and methionine.